The following is an entry in ClinVar:

NM_213599.3(ANO5):c.1256A>C (p.Glu419Ala)

Gene: ANO5 (anoctamin 5; plus strand). Cytogenetic location: 11p14.3.
Variant type: single nucleotide variant.
Coding change: c.1256A>C on transcript NM_213599.3 (MANE Select); coding-DNA position 1256, A replaced by C.
Protein change: p.Glu419Ala; replaces glutamic acid 419 with alanine.
Molecular consequence: missense variant.
Genome position (GRCh38, 1-based): chr11:22,255,446, A>C. VCF-style: chr11-22255446-A-C. GRCh37 (hg19) VCF-style: chr11-22276992-A-C.
Other names: c.1256A>C (NM_213599.2); c.1253A>C, p.Glu418Ala (NM_001142649.2); short protein forms E418A, E419A.
Identifiers: ClinVar variation 1062998 (VCV001062998.10), dbSNP rs1853970837, ClinGen allele CA379921521.
Genomic context (GRCh38, chr11:22,255,446, plus strand): 5'-AGTTTTGGAAACAACGACAAGCCAGACTGGAATATGAATGGGACCTGGTGGACTTTGAAG[A>C]GGAACAGCAGCAGCTTCAGCTGAGACCAGAATTTGAAGCTATGTGTAAACACAGGAAATT-3'
Protein context (NP_998764.1, residues 409-429): EYEWDLVDFE[Glu419Ala]EQQQLQLRPE

ClinVar aggregate classification (germline): Uncertain significance. Review status: criteria provided, multiple submitters, no conflicts (2 of 4 stars). 2 submissions from 2 submitters: Uncertain significance (2). Last evaluated 2025-12-01.

Conditions:
Autosomal recessive limb-girdle muscular dystrophy type 2L (LGMDR12). Also called: Limb-girdle muscular dystrophy, type 2L; MUSCULAR DYSTROPHY, LIMB-GIRDLE, AUTOSOMAL RECESSIVE 12; Limb-Girdle Muscular Dystrophy R12 Anoctamin-5-Related (LGMD-R12). Identifiers: Orphanet 206549, MedGen C1969785, MONDO:0012652, OMIM 611307.
Gnathodiaphyseal dysplasia (GDD). Also called: OSTEOGENESIS IMPERFECTA WITH UNUSUAL SKELETAL LESIONS; GNATHODIAPHYSEAL SCLEROSIS. Identifiers: Orphanet 53697, MedGen C1833736, MONDO:0008151, OMIM 166260.
Inborn genetic diseases. Identifiers: MedGen C0950123, MeSH D030342.

Submissions (2):

Labcorp Genetics (formerly Invitae), Labcorp
Classification: Uncertain significance for Autosomal recessive limb-girdle muscular dystrophy type 2L; Gnathodiaphyseal dysplasia. Last evaluated: 2025-12-01. Review status: criteria provided, single submitter. Criteria: Invitae Variant Classification Sherloc (09022015). Collection method: clinical testing. Allele origin: germline.
Comment: This sequence change replaces glutamic acid, which is acidic and polar, with alanine, which is neutral and non-polar, at codon 419 of the ANO5 protein (p.Glu419Ala). This variant is not present in population databases (gnomAD no frequency). This variant has not been reported in the literature in individuals affected with ANO5-related conditions. ClinVar contains an entry for this variant (Variation ID: 1062998). Invitae Evidence Modeling of protein sequence and biophysical properties (such as structural, functional, and spatial information, amino acid conservation, physicochemical variation, residue mobility, and thermodynamic stability) has been performed for this missense variant. However, the output from this modeling did not meet the statistical confidence thresholds required to predict the impact of this variant on ANO5 protein function. In summary, the available evidence is currently insufficient to determine the role of this variant in disease. Therefore, it has been classified as a Variant of Uncertain Significance.

Ambry Genetics
Classification: Uncertain significance for Inborn genetic diseases. Last evaluated: 2025-07-02. Review status: criteria provided, single submitter. Criteria: Ambry Variant Classification Scheme 2023. Collection method: clinical testing. Allele origin: germline.